The following is an entry in ClinVar:

NM_002485.5(NBN):c.1762A>G (p.Asn588Asp)

Gene: NBN (nibrin; minus strand). Cytogenetic location: 8q21.3.
Variant type: single nucleotide variant.
Coding change: c.1762A>G on transcript NM_002485.5 (MANE Select); coding-DNA position 1762, A replaced by G.
Protein change: p.Asn588Asp; replaces asparagine 588 with aspartic acid.
Molecular consequence: missense variant.
Genome position (GRCh38, 1-based): chr8:89,953,327, T>C on the plus strand (A>G on the coding strand, the complement: NBN is on the minus strand). VCF-style: chr8-89953327-T-C. GRCh37 (hg19) VCF-style: chr8-90965555-T-C.
Other names: c.1516A>G, p.Asn506Asp (NM_001024688.3); short protein forms N506D, N588D.
Identifiers: ClinVar variation 3298622 (VCV003298622.1).

ClinVar aggregate classification (germline): Uncertain significance (1 of 4 stars; one submission).

Conditions:
Hereditary cancer-predisposing syndrome. Also called: Tumor predisposition; Hereditary Cancer Syndrome; Hereditary neoplastic syndrome; Neoplastic Syndromes, Hereditary. Identifiers: Orphanet 140162, MedGen C0027672, MeSH D009386, MONDO:0015356.

Submission:

Ambry Genetics
Classification: Uncertain significance for Hereditary cancer-predisposing syndrome. Last evaluated: 2024-03-24. Review status: criteria provided, single submitter. Criteria: Ambry Variant Classification Scheme 2023. Collection method: clinical testing. Allele origin: germline.
Comment: The p.N588D variant (also known as c.1762A>G), located in coding exon 11 of the NBN gene, results from an A to G substitution at nucleotide position 1762. The asparagine at codon 588 is replaced by aspartic acid, an amino acid with highly similar properties. This amino acid position is conserved. In addition, this alteration is predicted to be tolerated by in silico analysis. Based on the available evidence, the clinical significance of this alteration remains unclear.